The following is an entry in ClinVar:

NM_001267550.2(TTN):c.23357C>A (p.Ser7786Tyr)

Gene: TTN (titin; minus strand). Cytogenetic location: 2q31.2.
Variant type: single nucleotide variant.
Coding change: c.23357C>A on transcript NM_001267550.2 (MANE Select); coding-DNA position 23357, C replaced by A.
Protein change: p.Ser7786Tyr; replaces serine 7786 with tyrosine.
Molecular consequence: missense variant. On other transcripts: intron variant (3).
Genome position (GRCh38, 1-based): chr2:178,720,405, G>T on the plus strand (C>A on the coding strand, the complement: TTN is on the minus strand). VCF-style: chr2-178720405-G-T. GRCh37 (hg19) VCF-style: chr2-179585132-G-T.
Other names: p.S7469Y:TCT>TAT; c.22406C>A, p.Ser7469Tyr (NM_001256850.1); c.19625C>A, p.Ser6542Tyr (NM_133378.4); c.13282+17677C>A (NM_003319.4); c.13858+17677C>A (NM_133437.4); c.13657+17677C>A (NM_133432.3); c.23357C>A (NM_001267550.1); short protein forms S7469Y, S7786Y, S6542Y.
Identifiers: ClinVar variation 203321 (VCV000203321.3), dbSNP rs794729628, ClinGen allele CA312031.
Genomic context (GRCh38, chr2:178,720,405, plus strand): 5'-GGAGGAAGGGGCATATATTTTTGTGTCCATGTATACAAACCTTTGAACTTGACAGAGCAA[G>T]AACACGTGTCACTTCCCACCTCATTAGTAGCTTTGCAGTGATATTCCCCGACATCGGAGG-3'
Protein context (NP_001254479.2, residues 7776-7796): ATNEVGSDTC[Ser7786Tyr]CSVKFKEPPR

ClinVar aggregate classification (germline): Uncertain significance (1 of 4 stars; one submission).

Allele frequency attached by ClinVar (database versions not stated): gnomAD exomes below 0.00001 and 0.00001; gnomAD 0.00001; TOPMed 0.00001.
gnomAD v4.1: 6 of 1,612,766 alleles (0.00037%); highest among the groups gnomAD compares: Non-Finnish European, 0.00051%; no homozygotes.

Submission:

GeneDx
Classification: Uncertain significance. Last evaluated: 2024-12-17. Review status: criteria provided, single submitter. Criteria: GeneDx Variant Classification Process June 2021. Collection method: clinical testing. Allele origin: germline. Affected: yes.
Comment: Not observed at significant frequency in large population cohorts (gnomAD); Missense variant in a gene in which most reported pathogenic variants are truncating/loss of function; Has not been previously published as pathogenic or benign to our knowledge